The following is an entry in ClinVar:

ClinVar aggregate classification (germline): Likely benign. Review status: criteria provided, multiple submitters, no conflicts (2 of 4 stars). 2 submissions from 2 submitters: Likely benign (2). Last evaluated 2025-09-07.

Conditions:
GUCY2D-related disorder. Also called: GUCY2D-related condition.
Cone-rod dystrophy 6 (CORD6). Also called: RETINAL CONE DYSTROPHY 2; Cone dystrophy progressive. Identifiers: Orphanet 1872, MedGen C1866293, MONDO:0011143, OMIM 601777.
Leber congenital amaurosis 1 (LCA1). Also called: RETINAL BLINDNESS, CONGENITAL; AMAUROSIS CONGENITA OF LEBER I; Congenital absence of the rods and cones; Leber's congenital tapetoretinal degeneration; Leber's congenital tapetoretinal dysplasia. Identifiers: Orphanet 65, MedGen C2931258, MONDO:0008764, OMIM 204000.

Allele frequency attached by ClinVar (database versions not stated): TOPMed below 0.00001; gnomAD exomes 0.00001 and 0.00004; ExAC 0.00002.
gnomAD v4.1: 11 of 1,614,062 alleles (0.00068%); highest among the groups gnomAD compares: Admixed American, 0.012%; no homozygotes.

Submissions (2):

Labcorp Genetics (formerly Invitae), Labcorp
Classification: Likely benign for Leber congenital amaurosis 1; Cone-rod dystrophy 6. Last evaluated: 2025-09-07. Review status: criteria provided, single submitter. Criteria: Invitae Variant Classification Sherloc (09022015). Collection method: clinical testing. Allele origin: germline.

PreventionGenetics, part of Exact Sciences
Classification: Likely benign for GUCY2D-related condition. Last evaluated: 2025-01-25. Review status: criteria provided, single submitter. Criteria: ACMG Guidelines, 2015. Collection method: clinical testing. Allele origin: germline.
Comment: This variant is classified as likely benign based on ACMG/AMP sequence variant interpretation guidelines (Richards et al. 2015 PMID: 25741868, with internal and published modifications).

NM_000180.4(GUCY2D):c.1983C>T (p.Gly661=)

Gene: GUCY2D (guanylate cyclase 2D, retinal; plus strand). Cytogenetic location: 17p13.1.
Variant type: single nucleotide variant.
Coding change: c.1983C>T on transcript NM_000180.4 (MANE Select); coding-DNA position 1983, C replaced by T.
Protein change: p.Gly661=; no amino-acid change (glycine 661 retained).
Molecular consequence: synonymous variant.
Genome position (GRCh38, 1-based): chr17:8,012,476, C>T. VCF-style: chr17-8012476-C-T. GRCh37 (hg19) VCF-style: chr17-7915794-C-T.
Other names: c.1983C>T (NM_000180.3).
Identifiers: ClinVar variation 998538 (VCV000998538.9), dbSNP rs756393266, ClinGen allele CA8365961.